The following is an entry in ClinVar:

NM_173660.5(DOK7):c.773-131G>A

Gene: DOK7 (docking protein 7; plus strand). Cytogenetic location: 4p16.3.
Variant type: single nucleotide variant.
Coding change: c.773-131G>A on transcript NM_173660.5 (MANE Select); 131 bases into the intron before coding-DNA position 773, G replaced by A.
Molecular consequence: intron variant.
Genome position (GRCh38, 1-based): chr4:3,492,628, G>A. VCF-style: chr4-3492628-G-A. GRCh37 (hg19) VCF-style: chr4-3494355-G-A.
Other names: c.773-131G>A (NM_001301071.2); c.341-131G>A (NM_001363811.2); c.762-131G>A (NM_001164673.2); c.-158-131G>A (NM_001256896.2).
Identifiers: ClinVar variation 679331 (VCV000679331.1), dbSNP rs2699415, ClinGen allele CA11804935.
Genomic context (GRCh38, chr4:3,492,628, plus strand): 5'-GGAGTGGATGAGGGGTAGAGGGGTTGTTGTTGGTGAAGCCAGGTTTCTGCTGTAGGCCCC[G>A]GGGCTTGGGGGCTGGAAGGGGTGGGGCGAGACCAGAGAGTGCTGGCCTGTGGGGGTCCAC-3'

ClinVar aggregate classification (germline): Benign (1 of 4 stars; one submission).

Allele frequency attached by ClinVar (database versions not stated): gnomAD 0.11246 and 0.11685; TOPMed 0.12879; 1000 Genomes Project 30x 0.14850; 1000 Genomes Project 0.15116.
gnomAD v4.1: 151,561 of 1,301,544 alleles (12%); highest among the groups gnomAD compares: East Asian, 30%; 10,802 homozygotes.

Submission:

GeneDx
Classification: Benign. Last evaluated: 2018-06-16. Review status: criteria provided, single submitter. Criteria: GeneDx Variant Classification (06012015). Collection method: clinical testing. Allele origin: germline. Affected: yes.
Comment: This variant is considered likely benign or benign based on one or more of the following criteria: it is a conservative change, it occurs at a poorly conserved position in the protein, it is predicted to be benign by multiple in silico algorithms, and/or has population frequency not consistent with disease.